The following is an entry in ClinVar:

ClinVar aggregate classification (germline): Uncertain significance. Review status: criteria provided, multiple submitters, no conflicts (2 of 4 stars). 2 submissions from 2 submitters: Uncertain significance (2). Last evaluated 2025-04-13.

Conditions:
Chédiak-Higashi syndrome (CHS). Also called: Chediak-Higashi Syndrome. Identifiers: Orphanet 167, MedGen C0007965, MONDO:0008963, OMIM 214500.
Inborn genetic diseases. Identifiers: MedGen C0950123, MeSH D030342.

Allele frequency attached by ClinVar (database versions not stated): gnomAD exomes 0.00001.
gnomAD v4.1: 5 of 1,613,684 alleles (0.00031%); highest among the groups gnomAD compares: South Asian, 0.0044%; no homozygotes.

Submissions (2):

Ambry Genetics
Classification: Uncertain significance for Inborn genetic diseases. Last evaluated: 2025-04-13. Review status: criteria provided, single submitter. Criteria: Ambry Variant Classification Scheme 2023. Collection method: clinical testing. Allele origin: germline.

Labcorp Genetics (formerly Invitae), Labcorp
Classification: Uncertain significance for Chédiak-Higashi syndrome. Last evaluated: 2022-07-27. Review status: criteria provided, single submitter. Criteria: Invitae Variant Classification Sherloc (09022015). Collection method: clinical testing. Allele origin: germline.
Comment: This sequence change replaces histidine, which is basic and polar, with tyrosine, which is neutral and polar, at codon 2404 of the LYST protein (p.His2404Tyr). This variant is present in population databases (no rsID available, gnomAD 0.003%). This variant has not been reported in the literature in individuals affected with LYST-related conditions. Algorithms developed to predict the effect of missense changes on protein structure and function (SIFT, PolyPhen-2, Align-GVGD) all suggest that this variant is likely to be tolerated. In summary, the available evidence is currently insufficient to determine the role of this variant in disease. Therefore, it has been classified as a Variant of Uncertain Significance.

NM_000081.4(LYST):c.7210C>T (p.His2404Tyr)

Gene: LYST (lysosomal trafficking regulator; minus strand). Cytogenetic location: 1q42.3.
Variant type: single nucleotide variant.
Coding change: c.7210C>T on transcript NM_000081.4 (MANE Select); coding-DNA position 7210, C replaced by T.
Protein change: p.His2404Tyr; replaces histidine 2404 with tyrosine.
Molecular consequence: missense variant.
Genome position (GRCh38, 1-based): chr1:235,755,497, G>A on the plus strand (C>T on the coding strand, the complement: LYST is on the minus strand). VCF-style: chr1-235755497-G-A. GRCh37 (hg19) VCF-style: chr1-235918797-G-A.
Other names: c.7210C>T (NM_000081.2); c.7210C>T, p.His2404Tyr (NM_001301365.1); short protein forms H2404Y.
Identifiers: ClinVar variation 2151192 (VCV002151192.2), dbSNP rs1331955499, ClinGen allele CA344934082.